The following is an entry in ClinVar:

ClinVar aggregate classification (germline): Uncertain significance. Review status: criteria provided, multiple submitters, no conflicts (2 of 4 stars). 2 submissions from 2 submitters: Uncertain significance (2). Last evaluated 2022-08-06.

Conditions:
Hereditary cancer-predisposing syndrome. Also called: Hereditary Cancer Syndrome; Neoplastic Syndromes, Hereditary; Hereditary neoplastic syndrome; Tumor predisposition. Identifiers: Orphanet 140162, MedGen C0027672, MeSH D009386, MONDO:0015356.
Ataxia-telangiectasia syndrome (AT). Also called: Cerebello-oculocutaneous telangiectasia; Immunodeficiency with ataxia telangiectasia; Ataxia-telangiectasia, complementation group E; Ataxia-telangiectasia, complementation group D; AT, COMPLEMENTATION GROUP C; ATAXIA-TELANGIECTASIA, COMPLEMENTATION GROUP A. Identifiers: Orphanet 100, MedGen C0004135, MONDO:0008840, OMIM 208900.

Submissions (2):

Labcorp Genetics (formerly Invitae), Labcorp
Classification: Uncertain significance for Ataxia-telangiectasia syndrome. Last evaluated: 2022-08-06. Review status: criteria provided, single submitter. Criteria: Invitae Variant Classification Sherloc (09022015). Collection method: clinical testing. Allele origin: germline.
Comment: In summary, the available evidence is currently insufficient to determine the role of this variant in disease. Therefore, it has been classified as a Variant of Uncertain Significance. Advanced modeling of protein sequence and biophysical properties (such as structural, functional, and spatial information, amino acid conservation, physicochemical variation, residue mobility, and thermodynamic stability) performed at Invitae indicates that this missense variant is not expected to disrupt ATM protein function. ClinVar contains an entry for this variant (Variation ID: 819191). This variant has not been reported in the literature in individuals affected with ATM-related conditions. This variant is not present in population databases (gnomAD no frequency). This sequence change replaces cysteine, which is neutral and slightly polar, with glycine, which is neutral and non-polar, at codon 489 of the ATM protein (p.Cys489Gly).

Ambry Genetics
Classification: Uncertain significance for Hereditary cancer-predisposing syndrome. Last evaluated: 2019-12-11. Review status: criteria provided, single submitter. Criteria: Ambry Variant Classification Scheme 2023. Collection method: clinical testing. Allele origin: germline.
Comment: The p.C489G variant (also known as c.1465T>G), located in coding exon 9 of the ATM gene, results from a T to G substitution at nucleotide position 1465. The cysteine at codon 489 is replaced by glycine, an amino acid with highly dissimilar properties. This amino acid position is poorly conserved in available vertebrate species. In addition, this alteration is predicted to be tolerated by in silico analysis. Since supporting evidence is limited at this time, the clinical significance of this alteration remains unclear.

NM_000051.4(ATM):c.1465T>G (p.Cys489Gly)

Gene: ATM (ATM serine/threonine kinase; plus strand). Cytogenetic location: 11q22.3.
Variant type: single nucleotide variant.
Coding change: c.1465T>G on transcript NM_000051.4 (MANE Select); coding-DNA position 1465, T replaced by G.
Protein change: p.Cys489Gly; replaces cysteine 489 with glycine.
Molecular consequence: missense variant.
Genome position (GRCh38, 1-based): chr11:108,250,930, T>G. VCF-style: chr11-108250930-T-G. GRCh37 (hg19) VCF-style: chr11-108121657-T-G.
Other names: c.1465T>G, p.Cys489Gly (NM_001351834.2); short protein forms C489G.
Identifiers: ClinVar variation 819191 (VCV000819191.14), dbSNP rs1591524158, ClinGen allele CA382534155.